The following is an entry in ClinVar:

ClinVar aggregate classification (germline): Conflicting classifications of pathogenicity. Review status: criteria provided, conflicting classifications (1 of 4 stars). 6 submissions from 4 submitters: Uncertain significance (2); Benign (2); Likely benign (1). 1 of the submissions does not count toward it. Last evaluated 2023-02-08.

Conditions:
Familial Mediterranean fever, autosomal dominant. Also called: Dominant Familial Mediterranean Fever; FMF, AUTOSOMAL DOMINANT. Identifiers: Orphanet 342, MedGen C1851347, MONDO:0007601, OMIM 134610.
Acute febrile neutrophilic dermatosis (AFND). Also called: Sweet Syndrome; Gomm Button disease. Identifiers: Orphanet 3243, MedGen C0085077, MONDO:0011959, OMIM 608068.
Autoinflammatory syndrome. Identifiers: Orphanet 93665, MedGen C3890737, MONDO:0019751.
Familial Mediterranean fever (FMF). Also called: POLYSEROSITIS, FAMILIAL PAROXYSMAL; POLYSEROSITIS, RECURRENT; Periodic peritonitis; Benign paroxysmal peritonitis. Identifiers: Orphanet 342, MedGen C0031069, MONDO:0018088, OMIM 249100. Disease mechanism: gain of function.

Allele frequency attached by ClinVar (database versions not stated): gnomAD exomes below 0.00001; TOPMed below 0.00001.
gnomAD v4.1: 2 of 1,614,110 alleles (0.00012%); highest among the groups gnomAD compares: Middle Eastern, 0.016%; no homozygotes.

Submissions (6):

Genome-Nilou Lab
Classification: Likely benign for Familial Mediterranean fever. Last evaluated: 2023-02-08. Review status: criteria provided, single submitter. Criteria: ACMG Guidelines, 2015. Collection method: clinical testing. Allele origin: germline.

Genome-Nilou Lab
Classification: Benign for Familial Mediterranean fever, autosomal dominant. Last evaluated: 2023-02-08. Review status: criteria provided, single submitter. Criteria: ACMG Guidelines, 2015. Collection method: clinical testing. Allele origin: germline.

Genome-Nilou Lab
Classification: Benign for Acute febrile neutrophilic dermatosis. Last evaluated: 2023-02-08. Review status: criteria provided, single submitter. Criteria: ACMG Guidelines, 2015. Collection method: clinical testing. Allele origin: germline.

Genome Diagnostics Laboratory, The Hospital for Sick Children
Classification: Uncertain significance for Autoinflammatory syndrome. Last evaluated: 2020-02-01. Review status: criteria provided, single submitter. Criteria: ACMG Guidelines, 2015. Collection method: clinical testing. Allele origin: germline. Affected: yes.

Women's Health and Genetics/Laboratory Corporation of America, LabCorp
Classification: Uncertain significance. Last evaluated: 2018-07-24. Review status: criteria provided, single submitter. Criteria: LabCorp Variant Classification Summary - May 2015. Collection method: clinical testing. Allele origin: germline.
Comment: Variant summary: MEFV c.1368A>C (p.Glu456Asp) results in a conservative amino acid change in the encoded protein sequence. Three of five in-silico tools predict a benign effect of the variant on protein function. The variant was absent in 277628 control chromosomes (gnomAD and publication). The available data on variant occurrences in the general population are insufficient to allow any conclusion about variant significance. The variant, c.1368A>C, has been reported in the literature in individuals affected with Familial Mediterranean Fever (Berdeli_2011) but with limited information. This report does not provide an unequivocal conclusion about association of the variant with Familial Mediterranean Fever. To our knowledge, no experimental evidence demonstrating an impact on protein function has been reported. No clinical diagnostic laboratories have submitted clinical-significance assessments for this variant to ClinVar after 2014. Based on the evidence outlined above, the variant was classified as uncertain significance.

Natera, Inc.
Classification: Uncertain significance for Familial Mediterranean fever. Last evaluated: 2021-01-29. Review status: no assertion criteria provided. Collection method: clinical testing. Allele origin: germline. Not counted in ClinVar's aggregate classification.

Literature cited by the submitters: PubMed 21413889 (cited by Women's Health and Genetics/Laboratory Corporation of America, LabCorp); PubMed 21727933 (cited by Women's Health and Genetics/Laboratory Corporation of America, LabCorp); PubMed 24117178 (cited by Women's Health and Genetics/Laboratory Corporation of America, LabCorp).

NM_000243.3(MEFV):c.1368A>C (p.Glu456Asp)

Gene: MEFV (MEFV innate immunity regulator, pyrin; minus strand). Cytogenetic location: 16p13.3.
Variant type: single nucleotide variant.
Coding change: c.1368A>C on transcript NM_000243.3 (MANE Select); coding-DNA position 1368, A replaced by C.
Protein change: p.Glu456Asp; replaces glutamic acid 456 with aspartic acid.
Molecular consequence: missense variant.
Genome position (GRCh38, 1-based): chr16:3,247,235, T>G on the plus strand (A>C on the coding strand, the complement: MEFV is on the minus strand). VCF-style: chr16-3247235-T-G. GRCh37 (hg19) VCF-style: chr16-3297235-T-G.
Other names: c.735A>C, p.Glu245Asp (NM_001198536.2); short protein forms E456D, E245D.
Identifiers: ClinVar variation 632890 (VCV000632890.6), dbSNP rs1567233429, ClinGen allele CA394465166.